The following is an entry in ClinVar:

ClinVar aggregate classification (somatic clinical impact): Tier II - Potential (1 of 4 stars; one submission).

Conditions:
Medulloblastoma WNT activated. Identifiers: MedGen C4331965, MONDO:0850196.

Submission:

Institute for Genomic Medicine (IGM) Clinical Laboratory, Nationwide Children's Hospital
Classification: Tier II - Potential for Medulloblastoma WNT activated. Assertion type: diagnostic. Clinical significance: supports diagnosis. Last evaluated: 2022-10-05. Review status: criteria provided, single submitter. Criteria: AMP/ASCO/CAP Guidelines, 2017. Collection method: clinical testing. Allele origin: somatic. Affected: yes.
Comment: Variant has Tier II (potential) clinical significance as a diagnostic inclusion criterion in medulloblastoma WNT activated, based on the following evidence: 1) Information in the literature supports potential biologic effect of variant. 2) Diagnostic significance based on multiple small studies (Evidence Level C; PMIDs: 21163964, 22820256, 22832583, 22722829, 28726821).

Literature cited by the submitters: PubMed 21163964; PubMed 22820256; PubMed 22832583; PubMed 22722829; PubMed 28726821.

NM_000264.5(PTCH1):c.1375_1379del (p.Arg459fs)

Gene: PTCH1 (patched 1; minus strand). Cytogenetic location: 9q22.32.
Variant type: Deletion.
Coding change: c.1375_1379del on transcript NM_000264.5 (MANE Select); coding-DNA positions 1375 to 1379, 5 bases deleted (CGCTG; older notation c.1375_1379delCGCTG).
Protein change: p.Arg459fs; shifts the reading frame from arginine 459.
Molecular consequence: frameshift variant. On other transcripts: non-coding transcript variant (1), intron variant (1).
Genome position (GRCh38, 1-based): chr9:95,477,671-95,477,675, CAGCG deleted on the plus strand (CGCTG on the coding strand, the reverse complement: PTCH1 is on the minus strand); deleting any 5 consecutive bases within chr9:95,477,671-95,477,679 gives the same sequence; the c. name uses the placement nearest the transcript's 3' end. VCF-style (leftmost placement, unchanged base first): chr9-95477670-CCAGCG-C. GRCh37 (hg19) VCF-style: chr9-98239952-CCAGCG-C.
Other names: c.1177_1181del, p.Arg393fs (NM_001083602.3); c.1372_1376del, p.Arg458fs (NM_001083603.3); c.922_926del, p.Arg308fs (NM_001083604.3, NM_001083605.3, NM_001083606.3 and 1 more transcripts); c.1347+380_1347+384del (NM_001354918.2); short protein forms R308fs, R393fs, R458fs, R459fs.
Identifiers: ClinVar variation 4530395 (VCV004530395.1).
Genomic context (GRCh38, chr9:95,477,670, plus strand): 5'-TGACAGTGCAACCAGCAGGACGCCAGCCAGCCCCACGGCACCCTGGGACTTGGAGCAGTC[CCAGCG>C]CAGCATGGTTAGACAGGCATAGGCGAGCTGCAAGCAGAACAATGGGGGCACAGAACAAAA-3'